The following is an entry in ClinVar:

ClinVar aggregate classification (germline): Uncertain significance. Review status: criteria provided, multiple submitters, no conflicts (2 of 4 stars). 2 submissions from 2 submitters: Uncertain significance (2). Last evaluated 2024-02-08.

Conditions:
Inborn genetic diseases. Identifiers: MedGen C0950123, MeSH D030342.
Progressive sclerosing poliodystrophy (MTDPS4A). Also called: Mitochondrial DNA depletion syndrome 4A (Alpers type); Mitochondrial DNA Depletion Syndrome 4A; Alpers Syndrome; ALPERS DIFFUSE DEGENERATION OF CEREBRAL GRAY MATTER WITH HEPATIC CIRRHOSIS; Alpers-Huttenlocher Syndrome; ALPERS PROGRESSIVE INFANTILE POLIODYSTROPHY. Identifiers: Orphanet 726, MedGen C0205710, MONDO:0008758, OMIM 203700.

Allele frequency attached by ClinVar (database versions not stated): gnomAD exomes below 0.00001; TOPMed 0.00002.
gnomAD v4.1: 5 of 1,575,280 alleles (0.00032%); highest among the groups gnomAD compares: Admixed American, 0.0053%; no homozygotes.

Submissions (2):

Labcorp Genetics (formerly Invitae), Labcorp
Classification: Uncertain significance for Progressive sclerosing poliodystrophy. Last evaluated: 2024-02-08. Review status: criteria provided, single submitter. Criteria: Invitae Variant Classification Sherloc (09022015). Collection method: clinical testing. Allele origin: germline.
Comment: This sequence change replaces alanine, which is neutral and non-polar, with valine, which is neutral and non-polar, at codon 184 of the POLG protein (p.Ala184Val). This variant is not present in population databases (gnomAD no frequency). This variant has not been reported in the literature in individuals affected with POLG-related conditions. ClinVar contains an entry for this variant (Variation ID: 589806). Advanced modeling of protein sequence and biophysical properties (such as structural, functional, and spatial information, amino acid conservation, physicochemical variation, residue mobility, and thermodynamic stability) performed at Invitae indicates that this missense variant is not expected to disrupt POLG protein function with a negative predictive value of 95%. In summary, the available evidence is currently insufficient to determine the role of this variant in disease. Therefore, it has been classified as a Variant of Uncertain Significance.

Ambry Genetics
Classification: Uncertain significance for Inborn genetic diseases. Last evaluated: 2016-02-25. Review status: criteria provided, single submitter. Criteria: Ambry Variant Classification Scheme 2023. Collection method: clinical testing. Allele origin: germline.
Comment: The p.A184V variant (also known as c.551C>T), located in coding exon 1 of the POLG gene, results from a C to T substitution at nucleotide position 551. The alanine at codon 184 is replaced by valine, an amino acid with similar properties. This variant was not reported in population based cohorts in the following databases: Database of Single Nucleotide Polymorphisms (dbSNP), NHLBI Exome Sequencing Project (ESP), and 1000 Genomes Project. In the ESP, this variant was not observed in 6483 samples (12966 alleles) with coverage at this position. This amino acid position is not well conserved in available vertebrate species. In addition, this alteration is predicted to be tolerated by in silico analysis. Since supporting evidence is limited at this time, the clinical significance of this alteration remains unclear.

NM_002693.3(POLG):c.551C>T (p.Ala184Val)

Genes: POLG (DNA polymerase gamma, catalytic subunit; minus strand), POLGARF (POLG alternative reading frame; minus strand). Cytogenetic location: 15q26.1.
Variant type: single nucleotide variant.
Coding change: c.551C>T on transcript NM_002693.3 (MANE Select); coding-DNA position 551, C replaced by T.
Protein change: p.Ala184Val; replaces alanine 184 with valine.
Molecular consequence: missense variant.
Genome position (GRCh38, 1-based): chr15:89,333,204, G>A on the plus strand (C>T on the coding strand, the complement: POLG is on the minus strand). VCF-style: chr15-89333204-G-A. GRCh37 (hg19) VCF-style: chr15-89876435-G-A.
Other names: c.551C>T, p.Ala184Val (NM_001126131.2); short protein forms A184V.
Identifiers: ClinVar variation 589806 (VCV000589806.8), dbSNP rs1567193930, ClinGen allele CA393770885.